The following is an entry in ClinVar:

ClinVar aggregate classification (germline): Uncertain significance (1 of 4 stars; one submission).

Submission:

Labcorp Genetics (formerly Invitae), Labcorp
Classification: Uncertain significance. Last evaluated: 2024-02-24. Review status: criteria provided, single submitter. Criteria: Invitae Variant Classification Sherloc (09022015). Collection method: clinical testing. Allele origin: germline.
Comment: This variant, c.11287_11289del, results in the deletion of 1 amino acid(s) of the VPS13D protein (p.Gln3763del), but otherwise preserves the integrity of the reading frame. This variant is not present in population databases (gnomAD no frequency). This variant has not been reported in the literature in individuals affected with VPS13D-related conditions. Experimental studies and prediction algorithms are not available or were not evaluated, and the functional significance of this variant is currently unknown. In summary, the available evidence is currently insufficient to determine the role of this variant in disease. Therefore, it has been classified as a Variant of Uncertain Significance.

NM_015378.4(VPS13D):c.11284CAA[1] (p.Gln3763del)

Gene: VPS13D (vacuolar protein sorting 13 homolog D; plus strand). Cytogenetic location: 1p36.22.
Variant type: Microsatellite.
Coding change: c.11284CAA[1] on transcript NM_015378.4 (MANE Select); one copy of the 3-base unit CAA starting at c.11284; the reference has two copies in a row; one copy, 3 bases deleted.
Protein change: p.Gln3763del; deletes glutamine 3763.
Molecular consequence: inframe deletion.
Genome position (GRCh38, 1-based): chr1:12,383,072-12,383,074, CAA deleted; deleting any 3 consecutive bases within chr1:12,383,067-12,383,074 gives the same sequence; the position shown is the placement nearest the transcript's 3' end. VCF-style (leftmost placement, unchanged base first): chr1-12383066-GAAC-G. GRCh37 (hg19) VCF-style: chr1-12443125-GAAC-G.
Other names: c.11209CAA[1], p.Gln3738del (NM_018156.4); short protein forms Q3763del, Q3738del.
Identifiers: ClinVar variation 2047841 (VCV002047841.4), dbSNP rs2524499994, ClinGen allele CA2580611415.